The following is an entry in ClinVar:

NC_012920.1(MT-ND5):m.12386C>T

Gene: MT-ND5 (mitochondrially encoded NADH dehydrogenase 5; plus strand).
Variant type: single nucleotide variant.
Genome position: chrM-12386-C-T.
Identifiers: ClinVar variation 693431 (VCV000693431.1), dbSNP rs1603223709, ClinGen allele CA414812920.
Genomic context (GRCh38, chrMT:12,386, plus strand): 5'-AAATAAAAGTAATAACCATGCACACTACTATAACCACCCTAACCCTGACTTCCCTAATTC[C>T]CCCCATCCTTACCACCCTCGTTAACCCTAACAAAAAAAACTCATACCCCCATTATGTAAA-3'

ClinVar aggregate classification (germline): Uncertain significance (1 of 4 stars; one submission).

Conditions:
Leigh syndrome (NULS). Also called: Leigh's necrotizing encephalopathy; Leigh's disease; Leigh Syndrome (mtDNA deletion); Leigh Disease; Subacute necrotizing encephalopathy; Necrotizing encephalopathy infantile subacute of Leigh. Identifiers: Orphanet 506, MedGen C2931891, MONDO:0009723, OMIM 256000.

Submission:

Wong Mito Lab, Molecular and Human Genetics, Baylor College of Medicine
Classification: Uncertain significance for Leigh syndrome. Last evaluated: 2019-10-17. Review status: criteria provided, single submitter. Criteria: Modified ACMG Guidelines (Unpublished). Collection method: clinical testing. Allele origin: germline.
Comment: The NC_012920.1:m.12386C>T (YP_003024036.1:p.Pro17Leu) variant in MTND5 gene is interpretated to be a Uncertain Significance variant based on the modified ACMG guidelines (unpublished). This variant meets the following evidence codes: BS4, PP7